The following is an entry in ClinVar:

NM_004415.4(DSP):c.2279C>T (p.Thr760Ile)

Gene: DSP (desmoplakin; plus strand). Cytogenetic location: 6p24.3.
Variant type: single nucleotide variant.
Coding change: c.2279C>T on transcript NM_004415.4 (MANE Select); coding-DNA position 2279, C replaced by T.
Protein change: p.Thr760Ile; replaces threonine 760 with isoleucine.
Molecular consequence: missense variant.
Genome position (GRCh38, 1-based): chr6:7,574,234, C>T. VCF-style: chr6-7574234-C-T. GRCh37 (hg19) VCF-style: chr6-7574467-C-T.
Other names: c.2279C>T, p.Thr760Ile (NM_001008844.3, NM_001319034.2); short protein forms T760I.
Identifiers: ClinVar variation 1788896 (VCV001788896.2), dbSNP rs776873756, ClinGen allele CA032377.

ClinVar aggregate classification (germline): Uncertain significance (1 of 4 stars; one submission).

Conditions:
Cardiovascular phenotype. Identifiers: MedGen CN230736.

Allele frequency attached by ClinVar (database versions not stated): gnomAD exomes below 0.00001; ExAC 0.00001.
gnomAD v4.1: 2 of 1,613,808 alleles (0.00012%); highest among the groups gnomAD compares: Non-Finnish European, 0.00017%; no homozygotes.

Submission:

Ambry Genetics
Classification: Uncertain significance for Cardiovascular phenotype. Last evaluated: 2020-07-21. Review status: criteria provided, single submitter. Criteria: Ambry Variant Classification Scheme 2023. Collection method: clinical testing. Allele origin: germline.
Comment: The p.T760I variant (also known as c.2279C>T), located in coding exon 16 of the DSP gene, results from a C to T substitution at nucleotide position 2279. The threonine at codon 760 is replaced by isoleucine, an amino acid with similar properties. This amino acid position is not well conserved in available vertebrate species. In addition, this alteration is predicted to be tolerated by in silico analysis. Since supporting evidence is limited at this time, the clinical significance of this alteration remains unclear.